The following is an entry in ClinVar:

ClinVar aggregate classification (germline): Uncertain significance. Review status: criteria provided, multiple submitters, no conflicts (2 of 4 stars). 2 submissions from 2 submitters: Uncertain significance (2). Last evaluated 2025-04-11.

Conditions:
Early Myoclonic Encephalopathy. Identifiers: MedGen C0270855.

Allele frequency attached by ClinVar (database versions not stated): gnomAD 0.00003 and 0.00002; TOPMed 0.00003; gnomAD exomes below 0.00001.
gnomAD v4.1: 7 of 1,613,740 alleles (0.00043%); highest among the groups gnomAD compares: African/African-American, 0.0067%; no homozygotes.

Submissions (2):

Ambry Genetics
Classification: Uncertain significance. Last evaluated: 2025-04-11. Review status: criteria provided, single submitter. Criteria: Ambry Variant Classification Scheme 2023. Collection method: clinical testing. Allele origin: germline.

Labcorp Genetics (formerly Invitae), Labcorp
Classification: Uncertain significance for Early Myoclonic Encephalopathy. Last evaluated: 2021-08-26. Review status: criteria provided, single submitter. Criteria: Invitae Variant Classification Sherloc (09022015). Collection method: clinical testing. Allele origin: germline.
Comment: This sequence change replaces valine with isoleucine at codon 1466 of the JMJD1C protein (p.Val1466Ile). The valine residue is weakly conserved and there is a small physicochemical difference between valine and isoleucine. This variant is not present in population databases (ExAC no frequency). This variant has not been reported in the literature in individuals affected with JMJD1C-related conditions. Algorithms developed to predict the effect of missense changes on protein structure and function (SIFT, PolyPhen-2, Align-GVGD) all suggest that this variant is likely to be tolerated. In summary, the available evidence is currently insufficient to determine the role of this variant in disease. Therefore, it has been classified as a Variant of Uncertain Significance.

NM_032776.3(JMJD1C):c.4396G>A (p.Val1466Ile)

Gene: JMJD1C (jumonji domain containing 1C; minus strand). Cytogenetic location: 10q21.3.
Variant type: single nucleotide variant.
Coding change: c.4396G>A on transcript NM_032776.3 (MANE Select); coding-DNA position 4396, G replaced by A.
Protein change: p.Val1466Ile; replaces valine 1466 with isoleucine.
Molecular consequence: missense variant. On other transcripts: non-coding transcript variant (1).
Genome position (GRCh38, 1-based): chr10:63,207,273, C>T on the plus strand (G>A on the coding strand, the complement: JMJD1C is on the minus strand). VCF-style: chr10-63207273-C-T. GRCh37 (hg19) VCF-style: chr10-64967033-C-T.
Other names: c.3850G>A, p.Val1284Ile (NM_001282948.2, NM_001318154.2); c.3532G>A, p.Val1178Ile (NM_001318153.2); c.4282G>A, p.Val1428Ile (NM_001322252.2); c.3739G>A, p.Val1247Ile (NM_001322254.2, NM_001322258.2); c.4396G>A (NM_032776.1); short protein forms V1178I, V1247I, V1284I, V1428I, V1466I.
Identifiers: ClinVar variation 1060653 (VCV001060653.3), dbSNP rs1259458966, ClinGen allele CA377037673.